The following is an entry in ClinVar:

NM_201596.3(CACNB2):c.1534del (p.Ser512fs)

Gene: CACNB2 (calcium voltage-gated channel auxiliary subunit beta 2; plus strand). Cytogenetic location: 10p12.31.
Variant type: Deletion.
Coding change: c.1534del on transcript NM_201596.3 (MANE Select); coding-DNA position 1534, one base deleted (T; older notation c.1534delT).
Protein change: p.Ser512fs; shifts the reading frame from serine 512.
Molecular consequence: frameshift variant.
Genome position (GRCh38, 1-based): chr10:18,539,275, T deleted; the last of 2 consecutive T bases (chr10:18,539,274-18,539,275); deleting either gives the same sequence. VCF-style (leftmost placement, unchanged base first): chr10-18539273-GT-G. GRCh37 (hg19) VCF-style: chr10-18828202-GT-G.
Other names: c.1369del, p.Ser457fs (NM_000724.4); c.1336del, p.Ser446fs (NM_001167945.2); c.1255del, p.Ser419fs (NM_001330060.2); c.1390del, p.Ser464fs (NM_201570.3); c.1450del, p.Ser484fs (NM_201571.4); c.1378del, p.Ser460fs (NM_201572.4); c.1372del, p.Ser458fs (NM_201590.3); c.1420del, p.Ser474fs (NM_201593.3); and 1 more; short protein forms S446fs, S457fs, S458fs, S488fs, S419fs, S484fs, S460fs, S464fs.
Identifiers: ClinVar variation 402478 (VCV000402478.10), dbSNP rs767341738, ClinGen allele CA5430091.

ClinVar aggregate classification (germline): Uncertain significance. Review status: criteria provided, multiple submitters, no conflicts (2 of 4 stars). 4 submissions from 4 submitters: Uncertain significance (4). Last evaluated 2025-07-23.

Conditions:
Cardiovascular phenotype. Identifiers: MedGen CN230736.
Brugada syndrome 4 (BRGDA4). Identifiers: Orphanet 130, MedGen C2678477, MONDO:0012743, OMIM 611876.

Submissions (4):

Labcorp Genetics (formerly Invitae), Labcorp
Classification: Uncertain significance for Brugada syndrome 4. Last evaluated: 2025-07-23. Review status: criteria provided, single submitter. Criteria: Invitae Variant Classification Sherloc (09022015). Collection method: clinical testing. Allele origin: germline.
Comment: This sequence change creates a premature translational stop signal (p.Ser458Leufs*57) in the CACNB2 gene. While this is not anticipated to result in nonsense mediated decay, it is expected to disrupt the last 149 amino acid(s) of the CACNB2 protein. This variant is present in population databases (rs767341738, gnomAD 0.0009%). This variant has not been reported in the literature in individuals affected with CACNB2-related conditions. ClinVar contains an entry for this variant (Variation ID: 402478). Experimental studies and prediction algorithms are not available or were not evaluated, and the functional significance of this variant is currently unknown. In summary, the available evidence is currently insufficient to determine the role of this variant in disease. Therefore, it has been classified as a Variant of Uncertain Significance.

Ambry Genetics
Classification: Uncertain significance for Cardiovascular phenotype. Last evaluated: 2025-06-13. Review status: criteria provided, single submitter. Criteria: Ambry Variant Classification Scheme 2023. Collection method: clinical testing. Allele origin: germline.
Comment: The c.1372delT variant, located in coding exon 13 of the CACNB2 gene, results from a deletion of one nucleotide at nucleotide position 1372, causing a translational frameshift with a predicted alternate stop codon (p.S458Lfs*57). This alteration is expected to result in premature protein truncation or nonsense-mediated mRNA decay. However, loss of function of CACNB2 has not been clearly established as a mechanism of disease. The evidence for this gene-disease relationship is limited; therefore, the clinical significance of this alteration is unclear.

Fulgent Genetics
Classification: Uncertain significance for Brugada syndrome 4. Last evaluated: 2021-11-22. Review status: criteria provided, single submitter. Criteria: ACMG Guidelines, 2015. Collection method: clinical testing. Allele origin: unknown.

Laboratory for Molecular Medicine, Mass General Brigham Personalized Medicine
Classification: Uncertain significance. Last evaluated: 2017-03-01. Review status: criteria provided, single submitter. Criteria: LMM Criteria. Collection method: clinical testing. Allele origin: germline.
Comment: Variant identified in a genome or exome case(s) and assessed due to predicted null impact of the variant or pathogenic assertions in the literature or databases. Disclaimer: This variant has not undergone full assessment. The following are preliminary notes: The p.Ser512fs in CACNB2 has not been previously reported in individuals with cardiomyopathy or in large population studies. This variant is predicted to cause a frameshift, which alters the proteinâ€™s amino acid sequence beginning at position 512 and leads to a premature termination codon 57 amino acids downstream. This alteration is then predicted to lead to a truncated or absent protein. LoF not a known disease mechanism. In summary, the clinical significance of the p.Ser512fs variant is uncertain.